The following is an entry in ClinVar:

NM_001365951.3(KIF1B):c.554C>T (p.Ala185Val)

Gene: KIF1B (kinesin family member 1B; plus strand). Cytogenetic location: 1p36.22.
Variant type: single nucleotide variant.
Coding change: c.554C>T on transcript NM_001365951.3 (MANE Select); coding-DNA position 554, C replaced by T.
Protein change: p.Ala185Val; replaces alanine 185 with valine.
Molecular consequence: missense variant.
Genome position (GRCh38, 1-based): chr1:10,267,504, C>T. VCF-style: chr1-10267504-C-T. GRCh37 (hg19) VCF-style: chr1-10327562-C-T.
Other names: c.554C>T, p.Ala185Val (NM_001365952.1, NM_001365953.1, NM_015074.3 and 1 more transcripts); short protein forms A185V.
Identifiers: ClinVar variation 2014358 (VCV002014358.6), dbSNP rs2521043240, ClinGen allele CA338329744.

ClinVar aggregate classification (germline): Uncertain significance. Review status: criteria provided, multiple submitters, no conflicts (2 of 4 stars). 2 submissions from 2 submitters: Uncertain significance (2). Last evaluated 2022-11-18.

Conditions:
Charcot-Marie-Tooth disease type 2. Also called: Charcot-Marie-Tooth type 2. Identifiers: Orphanet 64746, MedGen C0270914, MONDO:0018993.

Submissions (2):

Ambry Genetics
Classification: Uncertain significance. Last evaluated: 2022-11-18. Review status: criteria provided, single submitter. Criteria: Ambry Variant Classification Scheme 2023. Collection method: clinical testing. Allele origin: germline.
Comment: The p.A185V variant (also known as c.554C>T), located in coding exon 5 of the KIF1B gene, results from a C to T substitution at nucleotide position 554. The alanine at codon 185 is replaced by valine, an amino acid with similar properties. This amino acid position is conserved. In addition, the in silico prediction for this alteration is inconclusive. Since supporting evidence is limited at this time, the clinical significance of this alteration remains unclear.

Labcorp Genetics (formerly Invitae), Labcorp
Classification: Uncertain significance for Charcot-Marie-Tooth disease type 2. Last evaluated: 2022-07-06. Review status: criteria provided, single submitter. Criteria: Invitae Variant Classification Sherloc (09022015). Collection method: clinical testing. Allele origin: germline.
Comment: This variant is not present in population databases (gnomAD no frequency). In summary, the available evidence is currently insufficient to determine the role of this variant in disease. Therefore, it has been classified as a Variant of Uncertain Significance. Algorithms developed to predict the effect of missense changes on protein structure and function are either unavailable or do not agree on the potential impact of this missense change (SIFT: "Tolerated"; PolyPhen-2: "Probably Damaging"; Align-GVGD: "Class C0"). This variant has not been reported in the literature in individuals affected with KIF1B-related conditions. This sequence change replaces alanine, which is neutral and non-polar, with valine, which is neutral and non-polar, at codon 185 of the KIF1B protein (p.Ala185Val).